The following is an entry in ClinVar:

NM_005633.4(SOS1):c.3763C>T (p.Pro1255Ser)

Gene: SOS1 (SOS Ras/Rac guanine nucleotide exchange factor 1; minus strand). Cytogenetic location: 2p22.1.
Variant type: single nucleotide variant.
Coding change: c.3763C>T on transcript NM_005633.4 (MANE Select); coding-DNA position 3763, C replaced by T.
Protein change: p.Pro1255Ser; replaces proline 1255 with serine.
Molecular consequence: missense variant.
Genome position (GRCh38, 1-based): chr2:38,986,063, G>A on the plus strand (C>T on the coding strand, the complement: SOS1 is on the minus strand). VCF-style: chr2-38986063-G-A. GRCh37 (hg19) VCF-style: chr2-39213204-G-A.
Other names: c.3742C>T, p.Pro1248Ser (NM_001382394.1); c.3718C>T, p.Pro1240Ser (NM_001382395.1); short protein forms P1240S, P1248S, P1255S.
Identifiers: ClinVar variation 4810807 (VCV004810807.1).

ClinVar aggregate classification (germline): Uncertain significance (1 of 4 stars; one submission).

Conditions:
RASopathy. Also called: rasopathies; Noonan spectrum disorder. Identifiers: Orphanet 536391, MedGen C5555857, MONDO:0021060.

Submission:

Labcorp Genetics (formerly Invitae), Labcorp
Classification: Uncertain significance for RASopathy. Last evaluated: 2026-02-01. Review status: criteria provided, single submitter. Criteria: Invitae Variant Classification Sherloc (09022015). Collection method: clinical testing. Allele origin: germline.
Comment: This sequence change replaces proline, which is neutral and non-polar, with serine, which is neutral and polar, at codon 1255 of the SOS1 protein (p.Pro1255Ser). This variant is not present in population databases (gnomAD no frequency). This variant has not been reported in the literature in individuals affected with SOS1-related conditions. Invitae Evidence Modeling of protein sequence and biophysical properties (such as structural, functional, and spatial information, amino acid conservation, physicochemical variation, residue mobility, and thermodynamic stability) indicates that this missense variant is not expected to disrupt SOS1 protein function with a negative predictive value of 95%. In summary, the available evidence is currently insufficient to determine the role of this variant in disease. Therefore, it has been classified as a Variant of Uncertain Significance.